The following is an entry in ClinVar:

ClinVar aggregate classification (germline): Likely benign. Review status: criteria provided, multiple submitters, no conflicts (2 of 4 stars). 3 submissions from 3 submitters: Likely benign (2). 1 of the submissions does not count toward it. Last evaluated 2022-07-25.

Conditions:
COL4A6-related disorder. Also called: COL4A6-related condition.

Allele frequency attached by ClinVar (database versions not stated): ExAC 0.00002; gnomAD 0.00003; TOPMed 0.00005; gnomAD exomes 0.00006 and 0.00007; ESP Exome Variant Server 0.00009.
gnomAD v4.1: 72 of 1,174,646 alleles (0.0061%); highest among the groups gnomAD compares: Non-Finnish European, 0.0076%; no homozygotes.

Submissions (3):

Labcorp Genetics (formerly Invitae), Labcorp
Classification: Likely benign. Last evaluated: 2022-07-25. Review status: criteria provided, single submitter. Criteria: Invitae Variant Classification Sherloc (09022015). Collection method: clinical testing. Allele origin: germline.

GeneDx
Classification: Likely benign. Last evaluated: 2019-11-06. Review status: criteria provided, single submitter. Criteria: GeneDx Variant Classification Process June 2021. Collection method: clinical testing. Allele origin: germline. Affected: yes.

PreventionGenetics, part of Exact Sciences
Classification: Likely benign for COL4A6-related condition. Last evaluated: 2019-03-08. Review status: no assertion criteria provided. Collection method: clinical testing. Allele origin: germline. Not counted in ClinVar's aggregate classification.
Comment: This variant is classified as likely benign based on ACMG/AMP sequence variant interpretation guidelines (Richards et al. 2015 PMID: 25741868, with internal and published modifications).

NM_033641.4(COL4A6):c.1917A>T (p.Gly639=)

Gene: COL4A6 (collagen type IV alpha 6 chain; minus strand). Cytogenetic location: Xq22.3.
Variant type: single nucleotide variant.
Coding change: c.1917A>T on transcript NM_033641.4 (MANE Select); coding-DNA position 1917, A replaced by T.
Protein change: p.Gly639=; no amino-acid change (glycine 639 retained).
Molecular consequence: synonymous variant.
Genome position (GRCh38, 1-based): chrX:108,187,130, T>A on the plus strand (A>T on the coding strand, the complement: COL4A6 is on the minus strand). VCF-style: chrX-108187130-T-A. GRCh37 (hg19) VCF-style: chrX-107430360-T-A.
Other names: c.1917A>T, p.Gly639= (NM_001287758.2, NM_001287759.2, NM_001287760.2); c.1920A>T, p.Gly640= (NM_001847.4); c.1920A>T (NM_001847.3).
Identifiers: ClinVar variation 1316531 (VCV001316531.8), dbSNP rs372811674, ClinGen allele CA10487747.